The following is an entry in ClinVar:

ClinVar aggregate classification (germline): Uncertain significance. Review status: criteria provided, multiple submitters, no conflicts (2 of 4 stars). 5 submissions from 5 submitters: Uncertain significance (5). Last evaluated 2025-08-02.

Conditions:
Ciliary dyskinesia, primary, 37 (CILD37). Also called: CILIARY DYSKINESIA, PRIMARY, 37, WITH OR WITHOUT SITUS INVERSUS. Identifiers: MedGen C4539798, MONDO:0033204, OMIM 617577.
Spermatogenic failure 18. Identifiers: MedGen C4539783, MONDO:0054615, OMIM 617576.

Allele frequency attached by ClinVar (database versions not stated): gnomAD 0.00001 and 0.00004; TOPMed 0.00003; gnomAD exomes 0.00004 and 0.00006; ExAC 0.00008; 1000 Genomes Project 30x 0.00016; 1000 Genomes Project 0.00020.
gnomAD v4.1: 63 of 1,612,524 alleles (0.0039%); highest among the groups gnomAD compares: Middle Eastern, 0.16%; no homozygotes.

Submissions (5):

Labcorp Genetics (formerly Invitae), Labcorp
Classification: Uncertain significance for Ciliary dyskinesia, primary, 37; Spermatogenic failure 18. Last evaluated: 2025-08-02. Review status: criteria provided, single submitter. Criteria: Invitae Variant Classification Sherloc (09022015). Collection method: clinical testing. Allele origin: germline.
Comment: This sequence change replaces glutamic acid, which is acidic and polar, with glycine, which is neutral and non-polar, at codon 3285 of the DNAH1 protein (p.Glu3285Gly). The frequency data for this variant in the population databases is considered unreliable, as metrics indicate poor data quality at this position in the gnomAD database. This variant has not been reported in the literature in individuals affected with DNAH1-related conditions. ClinVar contains an entry for this variant (Variation ID: 954712). Invitae Evidence Modeling of protein sequence and biophysical properties (such as structural, functional, and spatial information, amino acid conservation, physicochemical variation, residue mobility, and thermodynamic stability) indicates that this missense variant is expected to disrupt DNAH1 protein function with a positive predictive value of 80%. In summary, the available evidence is currently insufficient to determine the role of this variant in disease. Therefore, it has been classified as a Variant of Uncertain Significance.

Blueprint Genetics
Classification: Uncertain significance. Last evaluated: 2024-06-14. Review status: criteria provided, single submitter. Criteria: ACMG Guidelines, 2015. Collection method: clinical testing. Allele origin: germline.

Ambry Genetics
Classification: Uncertain significance. Last evaluated: 2023-10-17. Review status: criteria provided, single submitter. Criteria: Ambry Variant Classification Scheme 2023. Collection method: clinical testing. Allele origin: germline.

Neuberg Centre For Genomic Medicine, NCGM
Classification: Uncertain significance for Ciliary dyskinesia, primary, 37. Last evaluated: 2023-05-20. Review status: criteria provided, single submitter. Criteria: ACMG Guidelines, 2015. Collection method: clinical testing. Allele origin: germline. Inheritance: Autosomal recessive inheritance. Affected: yes.
Comment: The missense variant c.9854A>G(p.Glu3285Gly) in DNAH1 gene has not been reported previously as a pathogenic variant nor as a benign variant, to our knowledge. The observed variant has allele frequency of 0.006% in gnomAD exomes database. This variant has been reported to the ClinVar database as Uncertain Significance. Computational evidence (SIFT - damaging and MutationTaster - disease causing) predict a damaging effect on protein structure and function for this variant. The amino acid change p.Glu3285Gly in DNAH1 is predicted as conserved by GERP++ and PhyloP across 100 vertebrates. The amino acid Glu at position 3285 is changed to a Gly changing protein sequence and it might alter its composition and physico-chemical properties. For these reasons, this variant has been classified as Uncertain Significance (VUS).

Baylor Genetics
Classification: Uncertain significance for Ciliary dyskinesia, primary, 37. Last evaluated: 2019-12-24. Review status: criteria provided, single submitter. Criteria: ACMG Guidelines, 2015. Collection method: clinical testing. Allele origin: unknown. Affected: yes.
Comment: This variant was determined to be of uncertain significance according to ACMG Guidelines, 2015 [PMID:25741868].

NM_015512.5(DNAH1):c.9854A>G (p.Glu3285Gly)

Gene: DNAH1 (dynein axonemal heavy chain 1; plus strand). Cytogenetic location: 3p21.1.
Variant type: single nucleotide variant.
Coding change: c.9854A>G on transcript NM_015512.5 (MANE Select); coding-DNA position 9854, A replaced by G.
Protein change: p.Glu3285Gly; replaces glutamic acid 3285 with glycine.
Molecular consequence: missense variant.
Genome position (GRCh38, 1-based): chr3:52,391,291, A>G. VCF-style: chr3-52391291-A-G. GRCh37 (hg19) VCF-style: chr3-52425307-A-G.
Other names: short protein forms E3285G.
Identifiers: ClinVar variation 954712 (VCV000954712.11), dbSNP rs556006237, ClinGen allele CA2435633.